The following is an entry in ClinVar:

ClinVar aggregate classification (germline): Uncertain significance (1 of 4 stars; one submission).

Allele frequency attached by ClinVar (database versions not stated): TOPMed below 0.00001; ExAC 0.00001; gnomAD 0.00001; gnomAD exomes 0.00002.

Submission:

Labcorp Genetics (formerly Invitae), Labcorp
Classification: Uncertain significance. Last evaluated: 2022-06-08. Review status: criteria provided, single submitter. Criteria: Invitae Variant Classification Sherloc (09022015). Collection method: clinical testing. Allele origin: germline.
Comment: In summary, the available evidence is currently insufficient to determine the role of this variant in disease. Therefore, it has been classified as a Variant of Uncertain Significance. Algorithms developed to predict the effect of missense changes on protein structure and function (SIFT, PolyPhen-2, Align-GVGD) all suggest that this variant is likely to be disruptive. This variant has not been reported in the literature in individuals affected with C8A-related conditions. This variant is present in population databases (rs778013584, gnomAD 0.0009%). This sequence change replaces cysteine, which is neutral and slightly polar, with glycine, which is neutral and non-polar, at codon 121 of the C8A protein (p.Cys121Gly).

NM_000562.3(C8A):c.361T>G (p.Cys121Gly)

Gene: C8A (complement C8 alpha chain; plus strand). Cytogenetic location: 1p32.2.
Variant type: single nucleotide variant.
Coding change: c.361T>G on transcript NM_000562.3 (MANE Select); coding-DNA position 361, T replaced by G.
Protein change: p.Cys121Gly; replaces cysteine 121 with glycine.
Molecular consequence: missense variant.
Genome position (GRCh38, 1-based): chr1:56,876,106, T>G. VCF-style: chr1-56876106-T-G. GRCh37 (hg19) VCF-style: chr1-57341779-T-G.
Other names: short protein forms C121G.
Identifiers: ClinVar variation 2003401 (VCV002003401.4), dbSNP rs778013584, ClinGen allele CA875015.
Genomic context (GRCh38, chr1:56,876,106, plus strand): 5'-AGTCTCTTCTCTCCAGGTCGCTGCCTGAAACGCCACCTTGTGTGTAATGGAGACCAGGAC[T>G]GCCTTGATGGCTCTGATGAGGACGACTGTGAAGATGTCAGGGCCATTGACGAAGACTGCA-3'
Protein context (NP_000553.1, residues 111-131): RHLVCNGDQD[Cys121Gly]LDGSDEDDCE